The following is an entry in ClinVar:

ClinVar aggregate classification (germline): Uncertain significance (1 of 4 stars; one submission).

Conditions:
Retinitis pigmentosa 71 (RP71). Identifiers: Orphanet 791, MedGen C4225342, MONDO:0014618, OMIM 616394.
Short-rib thoracic dysplasia 10 with or without polydactyly (SRTD10). Identifiers: Orphanet 474, MedGen C3810175, MONDO:0014284, OMIM 615630.

Allele frequency attached by ClinVar (database versions not stated): gnomAD exomes below 0.00001; TOPMed 0.00001.

Submission:

Labcorp Genetics (formerly Invitae), Labcorp
Classification: Uncertain significance for Retinitis pigmentosa 71; Short-rib thoracic dysplasia 10 with or without polydactyly. Last evaluated: 2024-02-24. Review status: criteria provided, single submitter. Criteria: Invitae Variant Classification Sherloc (09022015). Collection method: clinical testing. Allele origin: germline.
Comment: This sequence change replaces isoleucine, which is neutral and non-polar, with valine, which is neutral and non-polar, at codon 603 of the IFT172 protein (p.Ile603Val). This variant is present in population databases (no rsID available, gnomAD 0.003%). This variant has not been reported in the literature in individuals affected with IFT172-related conditions. ClinVar contains an entry for this variant (Variation ID: 1051591). Advanced modeling of protein sequence and biophysical properties (such as structural, functional, and spatial information, amino acid conservation, physicochemical variation, residue mobility, and thermodynamic stability) performed at Invitae indicates that this missense variant is not expected to disrupt IFT172 protein function with a negative predictive value of 80%. In summary, the available evidence is currently insufficient to determine the role of this variant in disease. Therefore, it has been classified as a Variant of Uncertain Significance.

NM_015662.3(IFT172):c.1807A>G (p.Ile603Val)

Gene: IFT172 (intraflagellar transport 172; minus strand). Cytogenetic location: 2p23.3.
Variant type: single nucleotide variant.
Coding change: c.1807A>G on transcript NM_015662.3 (MANE Select); coding-DNA position 1807, A replaced by G.
Protein change: p.Ile603Val; replaces isoleucine 603 with valine.
Molecular consequence: missense variant.
Genome position (GRCh38, 1-based): chr2:27,465,768, T>C on the plus strand (A>G on the coding strand, the complement: IFT172 is on the minus strand). VCF-style: chr2-27465768-T-C. GRCh37 (hg19) VCF-style: chr2-27688635-T-C.
Other names: short protein forms I603V.
Identifiers: ClinVar variation 1051591 (VCV001051591.9), dbSNP rs1442344603, ClinGen allele CA346386900.